The following is an entry in ClinVar:

NM_014000.3(VCL):c.1681A>G (p.Arg561Gly)

Gene: VCL (vinculin; plus strand). Cytogenetic location: 10q22.2.
Variant type: single nucleotide variant.
Coding change: c.1681A>G on transcript NM_014000.3 (MANE Select); coding-DNA position 1681, A replaced by G.
Protein change: p.Arg561Gly; replaces arginine 561 with glycine.
Molecular consequence: missense variant.
Genome position (GRCh38, 1-based): chr10:74,095,793, A>G. VCF-style: chr10-74095793-A-G. GRCh37 (hg19) VCF-style: chr10-75855551-A-G.
Other names: c.1681A>G, p.Arg561Gly (NM_003373.4); short protein forms R561G.
Identifiers: ClinVar variation 1284932 (VCV001284932.6), dbSNP rs1321164216, ClinGen allele CA377275032.

ClinVar aggregate classification (germline): Uncertain significance. Review status: criteria provided, multiple submitters, no conflicts (2 of 4 stars). 4 submissions from 4 submitters: Uncertain significance (2). 2 of the submissions do not count toward it. Last evaluated 2024-04-07.

Conditions:
Dilated cardiomyopathy 1W (CMD1W). Identifiers: Orphanet 154, MedGen C1969639, MONDO:0012667, OMIM 611407.

Allele frequency attached by ClinVar (database versions not stated): TOPMed below 0.00001; gnomAD 0.00001; gnomAD exomes 0.00001.
gnomAD v4.1: 16 of 1,614,084 alleles (0.00099%); highest among the groups gnomAD compares: Middle Eastern, 0.016%; no homozygotes.

Submissions (4):

Labcorp Genetics (formerly Invitae), Labcorp
Classification: Uncertain significance for Dilated cardiomyopathy 1W. Last evaluated: 2024-04-07. Review status: criteria provided, single submitter. Criteria: Invitae Variant Classification Sherloc (09022015). Collection method: clinical testing. Allele origin: germline.
Comment: This sequence change replaces arginine, which is basic and polar, with glycine, which is neutral and non-polar, at codon 561 of the VCL protein (p.Arg561Gly). This variant is present in population databases (no rsID available, gnomAD 0.003%). This variant has not been reported in the literature in individuals affected with VCL-related conditions. ClinVar contains an entry for this variant (Variation ID: 1284932). An algorithm developed to predict the effect of missense changes on protein structure and function (PolyPhen-2) suggests that this variant is likely to be disruptive. In summary, the available evidence is currently insufficient to determine the role of this variant in disease. Therefore, it has been classified as a Variant of Uncertain Significance.

GeneDx
Classification: Uncertain significance. Last evaluated: 2019-03-15. Review status: criteria provided, single submitter. Criteria: GeneDx Variant Classification Process June 2021. Collection method: clinical testing. Allele origin: germline. Affected: yes.
Comment: Has not been previously published as pathogenic or benign to our knowledge; Not observed at a significant frequency in large population cohorts (Lek et al., 2016); In silico analysis, which includes protein predictors and evolutionary conservation, supports a deleterious effect

Clinical Genetics DNA and cytogenetics Diagnostics Lab, Erasmus MC, Erasmus Medical Center
Classification: Uncertain significance. Review status: no assertion criteria provided. Collection method: clinical testing. Allele origin: germline. Affected: yes. Study: VKGL Data-share Consensus. Not counted in ClinVar's aggregate classification.

Genome Diagnostics Laboratory, University Medical Center Utrecht
Classification: Uncertain significance. Review status: no assertion criteria provided. Collection method: clinical testing. Allele origin: germline. Affected: yes. Study: VKGL Data-share Consensus. Not counted in ClinVar's aggregate classification.